The following is an entry in ClinVar:

ClinVar aggregate classification (germline): Uncertain significance (1 of 4 stars; one submission).

Conditions:
Alstrom syndrome (ALMS). Identifiers: Orphanet 64, MedGen C0268425, MONDO:0008763, OMIM 203800.

Submission:

Labcorp Genetics (formerly Invitae), Labcorp
Classification: Uncertain significance for Alstrom syndrome. Last evaluated: 2021-09-15. Review status: criteria provided, single submitter. Criteria: Invitae Variant Classification Sherloc (09022015). Collection method: clinical testing. Allele origin: germline.
Comment: This variant is not present in population databases (ExAC no frequency). In summary, the available evidence is currently insufficient to determine the role of this variant in disease. Therefore, it has been classified as a Variant of Uncertain Significance. Experimental studies and prediction algorithms are not available or were not evaluated, and the functional significance of this variant is currently unknown. This variant has not been reported in the literature in individuals affected with ALMS1-related conditions. This sequence change replaces serine with glycine at codon 1390 of the ALMS1 protein (p.Ser1390Gly). The serine residue is moderately conserved and there is a small physicochemical difference between serine and glycine.

NM_001378454.1(ALMS1):c.4165A>G (p.Ser1389Gly)

Gene: ALMS1 (ALMS1 centrosome and basal body associated protein; plus strand). Cytogenetic location: 2p13.1.
Variant type: single nucleotide variant.
Coding change: c.4165A>G on transcript NM_001378454.1 (MANE Select); coding-DNA position 4165, A replaced by G.
Protein change: p.Ser1389Gly; replaces serine 1389 with glycine.
Molecular consequence: missense variant.
Genome position (GRCh38, 1-based): chr2:73,450,692, A>G. VCF-style: chr2-73450692-A-G. GRCh37 (hg19) VCF-style: chr2-73677819-A-G.
Other names: c.4168A>G, p.Ser1390Gly (NM_015120.4); short protein forms S1390G, S1389G.
Identifiers: ClinVar variation 1445462 (VCV001445462.6), dbSNP rs866496302, ClinGen allele CA50393206.